The following is an entry in ClinVar:

NM_000094.4(COL7A1):c.7522-4A>G

Gene: COL7A1 (collagen type VII alpha 1 chain; minus strand). Cytogenetic location: 3p21.31.
Variant type: single nucleotide variant.
Coding change: c.7522-4A>G on transcript NM_000094.4 (MANE Select); 4 bases into the intron before coding-DNA position 7522, A replaced by G.
Molecular consequence: intron variant.
Genome position (GRCh38, 1-based): chr3:48,569,764, T>C on the plus strand (A>G on the coding strand, the complement: COL7A1 is on the minus strand). VCF-style: chr3-48569764-T-C. GRCh37 (hg19) VCF-style: chr3-48607197-T-C.
Identifiers: ClinVar variation 2076329 (VCV002076329.2), dbSNP rs138605618, ClinGen allele CA2378432.

ClinVar aggregate classification (germline): Uncertain significance (1 of 4 stars; one submission).

Allele frequency attached by ClinVar (database versions not stated): ESP Exome Variant Server 0.00008; gnomAD 0.00015; TOPMed 0.00017; 1000 Genomes Project 30x 0.00047; 1000 Genomes Project 0.00060.
gnomAD v4.1: 56 of 1,614,134 alleles (0.0035%); highest among the groups gnomAD compares: African/African-American, 0.063%; no homozygotes.

Submission:

Labcorp Genetics (formerly Invitae), Labcorp
Classification: Uncertain significance. Last evaluated: 2024-06-19. Review status: criteria provided, single submitter. Criteria: Invitae Variant Classification Sherloc (09022015). Collection method: clinical testing. Allele origin: germline.
Comment: This sequence change falls in intron 99 of the COL7A1 gene. It does not directly change the encoded amino acid sequence of the COL7A1 protein. This variant is present in population databases (rs138605618, gnomAD 0.03%). This variant has not been reported in the literature in individuals affected with COL7A1-related conditions. ClinVar contains an entry for this variant (Variation ID: 2076329). Algorithms developed to predict the effect of sequence changes on RNA splicing suggest that this variant may disrupt the consensus splice site. In summary, the available evidence is currently insufficient to determine the role of this variant in disease. Therefore, it has been classified as a Variant of Uncertain Significance.